The following is an entry in ClinVar:

NM_000426.4(LAMA2):c.7899-1G>A

Gene: LAMA2 (laminin subunit alpha 2; plus strand). Cytogenetic location: 6q22.33.
Variant type: single nucleotide variant.
Coding change: c.7899-1G>A on transcript NM_000426.4 (MANE Select); the canonical splice acceptor site of the intron before coding-DNA position 7899, G replaced by A.
Molecular consequence: splice acceptor variant.
Genome position (GRCh38, 1-based): chr6:129,491,900, G>A. VCF-style: chr6-129491900-G-A. GRCh37 (hg19) VCF-style: chr6-129813045-G-A.
Other names: c.7887-1G>A (NM_001079823.2).
Identifiers: ClinVar variation 577270 (VCV000577270.7), dbSNP rs1562614305, ClinGen allele CA365630350.

ClinVar aggregate classification (germline): Likely pathogenic (1 of 4 stars; one submission).

Conditions:
LAMA2-related muscular dystrophy (LAMA2-RD). Also called: Laminin alpha 2-related dystrophy. Identifiers: MedGen C5679788, MONDO:0100228.

Submission:

Labcorp Genetics (formerly Invitae), Labcorp
Classification: Likely pathogenic for LAMA2-related muscular dystrophy. Last evaluated: 2025-02-06. Review status: criteria provided, single submitter. Criteria: Invitae Variant Classification Sherloc (09022015). Collection method: clinical testing. Allele origin: germline.
Comment: This sequence change affects an acceptor splice site in intron 56 of the LAMA2 gene. It is expected to disrupt RNA splicing. Variants that disrupt the donor or acceptor splice site typically lead to a loss of protein function (PMID: 16199547), and loss-of-function variants in LAMA2 are known to be pathogenic (PMID: 18700894, 32904964). This variant is not present in population databases (gnomAD no frequency). This variant has not been reported in the literature in individuals affected with LAMA2-related conditions. ClinVar contains an entry for this variant (Variation ID: 577270). Algorithms developed to predict the effect of sequence changes on RNA splicing suggest that this variant may disrupt the consensus splice site. In summary, the currently available evidence indicates that the variant is pathogenic, but additional data are needed to prove that conclusively. Therefore, this variant has been classified as Likely Pathogenic.

Literature cited by the submitters: PubMed 16199547; PubMed 18700894; PubMed 32904964.